The following is an entry in ClinVar:

ClinVar aggregate classification (germline): Uncertain significance (1 of 4 stars; one submission).

gnomAD v4.1: 5 of 1,592,300 alleles (0.00031%); highest among the groups gnomAD compares: South Asian, 0.0011%; no homozygotes.

Submission:

Ambry Genetics
Classification: Uncertain significance. Last evaluated: 2024-11-25. Review status: criteria provided, single submitter. Criteria: Ambry Variant Classification Scheme 2023. Collection method: clinical testing. Allele origin: germline.
Comment: The p.A1029D variant (also known as c.3086C>A), located in coding exon 12 of the WNK2 gene, results from a C to A substitution at nucleotide position 3086. The alanine at codon 1029 is replaced by aspartic acid, an amino acid with dissimilar properties. This amino acid position is conserved. In addition, this alteration is predicted to be tolerated by in silico analysis. Based on the available evidence, the clinical significance of this variant remains unclear.

NM_006648.4(WNK2):c.3086C>A (p.Ala1029Asp)

Gene: WNK2 (WNK lysine deficient protein kinase 2; plus strand). Cytogenetic location: 9q22.31.
Variant type: single nucleotide variant.
Coding change: c.3086C>A on transcript NM_006648.4 (MANE Select); coding-DNA position 3086, C replaced by A.
Protein change: p.Ala1029Asp; replaces alanine 1029 with aspartic acid.
Molecular consequence: missense variant.
Genome position (GRCh38, 1-based): chr9:93,261,833, C>A. VCF-style: chr9-93261833-C-A. GRCh37 (hg19) VCF-style: chr9-96024115-C-A.
Other names: c.3086C>A, p.Ala1029Asp (NM_001282394.3); short protein forms A1029D.
Identifiers: ClinVar variation 3470416 (VCV003470416.1).